The following is an entry in ClinVar:

ClinVar aggregate classification (germline): Conflicting classifications of pathogenicity. Review status: criteria provided, conflicting classifications (1 of 4 stars). 3 submissions from 3 submitters: Uncertain significance (1); Likely benign (1). 1 of the submissions does not count toward it. Last evaluated 2025-09-10.

Conditions:
SPINK5-related disorder. Also called: SPINK5-related condition.
Ichthyosis linearis circumflexa. Identifiers: MedGen C0265962, MONDO:0043106, HP:0025810.
Netherton syndrome (NETH). Also called: NETHERTON DISEASE; ERYTHRODERMA, ICHTHYOSIFORM, WITH HYPOTRICHOSIS AND HYPER-IgE; COMEL-NETHERTON SYNDROME. Identifiers: Orphanet 634, MedGen C5574950, MONDO:0009735, OMIM 256500.

Allele frequency attached by ClinVar (database versions not stated): gnomAD 0.00007 and 0.00008; TOPMed 0.00007; gnomAD exomes 0.00008; ExAC 0.00010.
gnomAD v4.1: 124 of 1,609,926 alleles (0.0077%); highest among the groups gnomAD compares: Non-Finnish European, 0.0072%; no homozygotes.

Submissions (3):

Labcorp Genetics (formerly Invitae), Labcorp
Classification: Likely benign for Ichthyosis linearis circumflexa. Last evaluated: 2025-09-10. Review status: criteria provided, single submitter. Criteria: Invitae Variant Classification Sherloc (09022015). Collection method: clinical testing. Allele origin: germline.

Illumina Laboratory Services, Illumina
Classification: Uncertain significance for Netherton syndrome. Last evaluated: 2018-01-13. Review status: criteria provided, single submitter. Criteria: ICSL Variant Classification Criteria 13 December 2019. Collection method: clinical testing. Allele origin: germline.

PreventionGenetics, part of Exact Sciences
Classification: Likely benign for SPINK5-related condition. Last evaluated: 2019-12-02. Review status: no assertion criteria provided. Collection method: clinical testing. Allele origin: germline. Not counted in ClinVar's aggregate classification.
Comment: This variant is classified as likely benign based on ACMG/AMP sequence variant interpretation guidelines (Richards et al. 2015 PMID: 25741868, with internal and published modifications).

NM_006846.4(SPINK5):c.1431-10T>G

Gene: SPINK5 (serine peptidase inhibitor Kazal type 5; plus strand). Cytogenetic location: 5q32.
Variant type: single nucleotide variant.
Coding change: c.1431-10T>G on transcript NM_006846.4 (MANE Select); 10 bases into the intron before coding-DNA position 1431, T replaced by G.
Molecular consequence: intron variant.
Genome position (GRCh38, 1-based): chr5:148,104,942, T>G. VCF-style: chr5-148104942-T-G. GRCh37 (hg19) VCF-style: chr5-147484505-T-G.
Other names: c.1431-10T>G (NM_001127698.2, NM_001127699.2).
Identifiers: ClinVar variation 351523 (VCV000351523.18), dbSNP rs759079847, ClinGen allele CA3495612.